The following is an entry in ClinVar:

NM_000107.3(DDB2):c.1217C>T (p.Thr406Met)

Gene: DDB2 (damage specific DNA binding protein 2; plus strand). Cytogenetic location: 11p11.2.
Variant type: single nucleotide variant.
Coding change: c.1217C>T on transcript NM_000107.3 (MANE Select); coding-DNA position 1217, C replaced by T.
Protein change: p.Thr406Met; replaces threonine 406 with methionine.
Molecular consequence: missense variant. On other transcripts: non-coding transcript variant (2).
Genome position (GRCh38, 1-based): chr11:47,238,166, C>T. VCF-style: chr11-47238166-C-T. GRCh37 (hg19) VCF-style: chr11-47259717-C-T.
Other names: c.650C>T, p.Thr217Met (NM_001300734.2, NM_001399876.1); c.1217C>T, p.Thr406Met (NM_001399874.1, NM_001399875.1); c.1025C>T, p.Thr342Met (NM_001399878.1); short protein forms T217M, T342M, T406M.
Identifiers: ClinVar variation 1960379 (VCV001960379.6), dbSNP rs1431945606, ClinGen allele CA380298445.

ClinVar aggregate classification (germline): Uncertain significance. Review status: criteria provided, multiple submitters, no conflicts (2 of 4 stars). 2 submissions from 2 submitters: Uncertain significance (2). Last evaluated 2024-04-09.

Conditions:
Inborn genetic diseases. Identifiers: MedGen C0950123, MeSH D030342.

Allele frequency attached by ClinVar (database versions not stated): gnomAD 0.00002; TOPMed 0.00002; gnomAD exomes 0.00003.
gnomAD v4.1: 47 of 1,611,686 alleles (0.0029%); highest among the groups gnomAD compares: East Asian, 0.0045%; no homozygotes.

Submissions (2):

Ambry Genetics
Classification: Uncertain significance for Inborn genetic diseases. Last evaluated: 2024-04-09. Review status: criteria provided, single submitter. Criteria: Ambry Variant Classification Scheme 2023. Collection method: clinical testing. Allele origin: germline.

Labcorp Genetics (formerly Invitae), Labcorp
Classification: Uncertain significance. Last evaluated: 2022-04-17. Review status: criteria provided, single submitter. Criteria: Invitae Variant Classification Sherloc (09022015). Collection method: clinical testing. Allele origin: germline.
Comment: In summary, the available evidence is currently insufficient to determine the role of this variant in disease. Therefore, it has been classified as a Variant of Uncertain Significance. Algorithms developed to predict the effect of missense changes on protein structure and function are either unavailable or do not agree on the potential impact of this missense change (SIFT: "Tolerated"; PolyPhen-2: "Probably Damaging"; Align-GVGD: "Class C0"). This variant has not been reported in the literature in individuals affected with DDB2-related conditions. This variant is present in population databases (no rsID available, gnomAD 0.005%). This sequence change replaces threonine, which is neutral and polar, with methionine, which is neutral and non-polar, at codon 406 of the DDB2 protein (p.Thr406Met).